The following is an entry in ClinVar:

NM_012199.5(AGO1):c.952C>T (p.Leu318Phe)

Genes: AGO1 (argonaute RISC component 1; plus strand), LOC126805695 (MED14-independent group 3 enhancer GRCh37_chr1:36359789-36360988; plus strand). Cytogenetic location: 1p34.3.
Variant type: single nucleotide variant.
Coding change: c.952C>T on transcript NM_012199.5 (MANE Select); coding-DNA position 952, C replaced by T.
Protein change: p.Leu318Phe; replaces leucine 318 with phenylalanine.
Molecular consequence: missense variant.
Genome position (GRCh38, 1-based): chr1:35,895,201, C>T. VCF-style: chr1-35895201-C-T. GRCh37 (hg19) VCF-style: chr1-36360802-C-T.
Other names: c.952C>T, p.Leu318Phe (NM_001317122.2); c.727C>T, p.Leu243Phe (NM_001317123.2); short protein forms L243F, L318F.
Identifiers: ClinVar variation 3573770 (VCV003573770.1).

ClinVar aggregate classification (germline): Uncertain significance (1 of 4 stars; one submission).

Submission:

GeneDx
Classification: Uncertain significance. Last evaluated: 2024-07-15. Review status: criteria provided, single submitter. Criteria: GeneDx Variant Classification Process June 2021. Collection method: clinical testing. Allele origin: germline. Affected: yes.
Comment: Not observed at significant frequency in large population cohorts (gnomAD); In silico analysis supports that this missense variant has a deleterious effect on protein structure/function; Has not been previously published as pathogenic or benign to our knowledge